The following is an entry in ClinVar:

ClinVar aggregate classification (germline): Conflicting classifications of pathogenicity. Review status: criteria provided, conflicting classifications (1 of 4 stars). 4 submissions from 4 submitters: Uncertain significance (3); Likely benign (1). Last evaluated 2025-12-23.

Conditions:
APOB-related disorder. Also called: APOB-related condition; APOB-related disorders.
Cardiovascular phenotype. Identifiers: MedGen CN230736.
Familial hypobetalipoproteinemia 1. Also called: Hypobetalipoproteinemia, normotriglyceridemic; Acanthocytosis with hypobetalipoproteinemia; APOB-Related Familial Hypobetalipoproteinemia. Identifiers: MedGen C4551990, MONDO:0014252, OMIM 615558.
Hypercholesterolemia, autosomal dominant, type B (FHCL2). Also called: Familial Hypercholesterolemia Type B; APOLIPOPROTEIN B-100, FAMILIAL DEFECTIVE; APOLIPOPROTEIN B-100, FAMILIAL LIGAND-DEFECTIVE; Hyperlipoproteinemia Type IIb; HYPERCHOLESTEROLEMIA, FAMILIAL, DUE TO LIGAND-DEFECTIVE APOLIPOPROTEIN B; APOB-Related Familial Hypercholesterolemia, Autosomal Dominant. Identifiers: MedGen C1704417, MONDO:0007751, OMIM 144010.

Allele frequency attached by ClinVar (database versions not stated): gnomAD exomes 0.00004 and 0.00005; ExAC 0.00005; TOPMed 0.00005; ESP Exome Variant Server 0.00008.
gnomAD v4.1: 61 of 1,610,244 alleles (0.0038%); highest among the groups gnomAD compares: East Asian, 0.02%; no homozygotes.

Submissions (4):

Labcorp Genetics (formerly Invitae), Labcorp
Classification: Likely benign for Familial hypobetalipoproteinemia 1; Hypercholesterolemia, autosomal dominant, type B. Last evaluated: 2025-12-23. Review status: criteria provided, single submitter. Criteria: Invitae Variant Classification Sherloc (09022015). Collection method: clinical testing. Allele origin: germline.

PreventionGenetics, part of Exact Sciences
Classification: Uncertain significance for APOB-related condition. Last evaluated: 2025-05-22. Review status: criteria provided, single submitter. Criteria: ACMG Guidelines, 2015. Collection method: clinical testing. Allele origin: germline.
Comment: The APOB c.12614C>T variant is predicted to result in the amino acid substitution p.Pro4205Leu. This variant has been reported in an individual with hypercholesterolemia (Table S3, Li et al. 2017. PubMed ID: 27932355). This variant has also been reported in two individuals in a family with the triad of diabetic ketoacidosis, hypertriglyceridemia, and acute pancreatitis (Huang et al. 2020. PubMed ID: 32734598). This variant is reported in 0.016% of alleles in individuals of East Asian descent in gnomAD. At this time, the clinical significance of this variant is uncertain due to the absence of conclusive functional and genetic evidence.

Ambry Genetics
Classification: Uncertain significance for Cardiovascular phenotype. Last evaluated: 2025-05-06. Review status: criteria provided, single submitter. Criteria: Ambry Variant Classification Scheme 2023. Collection method: clinical testing. Allele origin: germline.

Revvity Omics, Revvity
Classification: Uncertain significance. Last evaluated: 2020-10-15. Review status: criteria provided, single submitter. Criteria: ACMG Guidelines, 2015. Collection method: clinical testing. Allele origin: germline.

NM_000384.3(APOB):c.12614C>T (p.Pro4205Leu)

Gene: APOB (apolipoprotein B; minus strand). Cytogenetic location: 2p24.1.
Variant type: single nucleotide variant.
Coding change: c.12614C>T on transcript NM_000384.3 (MANE Select); coding-DNA position 12614, C replaced by T.
Protein change: p.Pro4205Leu; replaces proline 4205 with leucine.
Molecular consequence: missense variant.
Genome position (GRCh38, 1-based): chr2:21,002,808, G>A on the plus strand (C>T on the coding strand, the complement: APOB is on the minus strand). VCF-style: chr2-21002808-G-A. GRCh37 (hg19) VCF-style: chr2-21225680-G-A.
Other names: short protein forms P4205L.
Identifiers: ClinVar variation 627770 (VCV000627770.15), dbSNP rs375471570, ClinGen allele CA050700.